The following is an entry in ClinVar:

ClinVar aggregate classification (germline): Likely pathogenic (1 of 4 stars; one submission).

Submission:

CeGaT Center for Human Genetics Tuebingen
Classification: Likely pathogenic. Last evaluated: 2022-09-01. Review status: criteria provided, single submitter. Criteria: CeGaT Center For Human Genetics Tuebingen Variant Classification Criteria Version 2. Collection method: clinical testing. Allele origin: germline. Affected: yes. Observed: 1 variant allele.
Comment: KDM5C: PS2, PM2, PP2, PP3

NM_004187.5(KDM5C):c.569A>G (p.Tyr190Cys)

Gene: KDM5C (lysine demethylase 5C; minus strand). Cytogenetic location: Xp11.22.
Variant type: single nucleotide variant.
Coding change: c.569A>G on transcript NM_004187.5 (MANE Select); coding-DNA position 569, A replaced by G.
Protein change: p.Tyr190Cys; replaces tyrosine 190 with cysteine.
Molecular consequence: missense variant. On other transcripts: non-coding transcript variant (3).
Genome position (GRCh38, 1-based): chrX:53,217,231, T>C on the plus strand (A>G on the coding strand, the complement: KDM5C is on the minus strand). VCF-style: chrX-53217231-T-C. GRCh37 (hg19) VCF-style: chrX-53246413-T-C.
Other names: c.368A>G, p.Tyr123Cys (NM_001146702.2); c.566A>G, p.Tyr189Cys (NM_001282622.3, NM_001353979.2, NM_001353982.2); c.569A>G, p.Tyr190Cys (NM_001353978.3, NM_001353981.2, NM_001353984.2); short protein forms Y123C, Y189C, Y190C.
Identifiers: ClinVar variation 1335769 (VCV001335769.35), dbSNP rs2146946968, ClinGen allele CA413133847.